The following is an entry in ClinVar:

ClinVar aggregate classification (germline): Uncertain significance (1 of 4 stars; one submission).

Allele frequency attached by ClinVar (database versions not stated): TOPMed 0.00003; gnomAD 0.00005; gnomAD exomes 0.00006; ExAC 0.00007; ESP Exome Variant Server 0.00008.
gnomAD v4.1: 90 of 1,607,544 alleles (0.0056%); highest among the groups gnomAD compares: Non-Finnish European, 0.0066%; no homozygotes.

Submission:

Labcorp Genetics (formerly Invitae), Labcorp
Classification: Uncertain significance. Last evaluated: 2022-03-29. Review status: criteria provided, single submitter. Criteria: Invitae Variant Classification Sherloc (09022015). Collection method: clinical testing. Allele origin: germline.
Comment: This sequence change replaces alanine, which is neutral and non-polar, with valine, which is neutral and non-polar, at codon 255 of the ADAMTSL4 protein (p.Ala255Val). This variant is present in population databases (rs377120955, gnomAD 0.05%). This variant has not been reported in the literature in individuals affected with ADAMTSL4-related conditions. Algorithms developed to predict the effect of missense changes on protein structure and function output the following: SIFT: "Deleterious"; PolyPhen-2: "Benign"; Align-GVGD: "Class C0". The valine amino acid residue is found in multiple mammalian species, which suggests that this missense change does not adversely affect protein function. In summary, the available evidence is currently insufficient to determine the role of this variant in disease. Therefore, it has been classified as a Variant of Uncertain Significance.

NM_019032.6(ADAMTSL4):c.764C>T (p.Ala255Val)

Genes: ADAMTSL4 (ADAMTS like 4; plus strand), ADAMTSL4-AS2 (ADAMTSL4 antisense RNA 2; minus strand). Cytogenetic location: 1q21.2.
Variant type: single nucleotide variant.
Coding change: c.764C>T on transcript NM_019032.6 (MANE Select); coding-DNA position 764, C replaced by T.
Protein change: p.Ala255Val; replaces alanine 255 with valine.
Molecular consequence: missense variant.
Genome position (GRCh38, 1-based): chr1:150,553,755, C>T. VCF-style: chr1-150553755-C-T. GRCh37 (hg19) VCF-style: chr1-150526231-C-T.
Other names: c.764C>T, p.Ala255Val (NM_001288607.2, NM_001288608.2, NM_001378596.1 and 1 more transcripts); short protein forms A255V.
Identifiers: ClinVar variation 2185232 (VCV002185232.1), dbSNP rs377120955, ClinGen allele CA1078034.